The following is an entry in ClinVar:

ClinVar aggregate classification (germline): Uncertain significance (1 of 4 stars; one submission).

Conditions:
Hyper-IgM syndrome type 1. Also called: Immunodeficiency, X-linked, with hyper-IgM; Hyper-IgM Immunodeficiency Syndrome, Type 1; CD40 Ligand Deficiency; X-linked hyper-IgM syndrome. Identifiers: Orphanet 101088, MedGen C0398689, MONDO:0010626, OMIM 308230.

Allele frequency attached by ClinVar (database versions not stated): gnomAD 0.00001; gnomAD exomes 0.00001; TOPMed 0.00001.
gnomAD v4.1: 9 of 1,188,544 alleles (0.00076%); highest among the groups gnomAD compares: Non-Finnish European, 0.00091%; no homozygotes.

Submission:

Labcorp Genetics (formerly Invitae), Labcorp
Classification: Uncertain significance for Hyper-IgM syndrome type 1. Last evaluated: 2025-09-22. Review status: criteria provided, single submitter. Criteria: Invitae Variant Classification Sherloc (09022015). Collection method: clinical testing. Allele origin: germline.
Comment: This sequence change replaces aspartic acid, which is acidic and polar, with glycine, which is neutral and non-polar, at codon 97 of the CD40LG protein (p.Asp97Gly). This variant is present in population databases (no rsID available, gnomAD 0.001%). This variant has not been reported in the literature in individuals affected with CD40LG-related conditions. ClinVar contains an entry for this variant (Variation ID: 1349911). An algorithm developed to predict the effect of missense changes on protein structure and function outputs the following: PolyPhen-2: "Benign". The glycine amino acid residue is found in multiple mammalian species, which suggests that this missense change does not adversely affect protein function. In summary, the available evidence is currently insufficient to determine the role of this variant in disease. Therefore, it has been classified as a Variant of Uncertain Significance.

NM_000074.3(CD40LG):c.290A>G (p.Asp97Gly)

Gene: CD40LG (CD40 ligand; plus strand). Cytogenetic location: Xq26.3.
Variant type: single nucleotide variant.
Coding change: c.290A>G on transcript NM_000074.3 (MANE Select); coding-DNA position 290, A replaced by G.
Protein change: p.Asp97Gly; replaces aspartic acid 97 with glycine.
Molecular consequence: missense variant.
Genome position (GRCh38, 1-based): chrX:136,654,374, A>G. VCF-style: chrX-136654374-A-G. GRCh37 (hg19) VCF-style: chrX-135736533-A-G.
Other names: short protein forms D97G.
Identifiers: ClinVar variation 1349911 (VCV001349911.6), dbSNP rs1004051141, ClinGen allele CA336266740.
Genomic context (GRCh38, chrX:136,654,374, plus strand): 5'-TTAAAACCCCACAGCAGAGCCCCTGTCAAAATGACCTCTTGCAATGCTTCTTATTTTAGG[A>G]TATAATGTTAAACAAAGAGGAGACGAAGAAAGAAAACAGCTTTGAAATGCAAAAAGGTAG-3'
Protein context (NP_000065.1, residues 87-107): IKSQFEGFVK[Asp97Gly]IMLNKEETKK